The following is an entry in ClinVar:

ClinVar aggregate classification (germline): Likely benign. Review status: criteria provided, multiple submitters, no conflicts (2 of 4 stars). 2 submissions from 2 submitters: Likely benign (2). Last evaluated 2024-10-24.

Allele frequency attached by ClinVar (database versions not stated): 1000 Genomes Project 30x 0.00016; gnomAD 0.00018; 1000 Genomes Project 0.00020; ESP Exome Variant Server 0.00024; TOPMed 0.00025; ExAC 0.00030; gnomAD exomes 0.00031.
gnomAD v4.1: 469 of 1,614,122 alleles (0.029%); highest among the groups gnomAD compares: Non-Finnish European, 0.038%; 1 homozygote.

Submissions (2):

Blueprint Genetics
Classification: Likely benign. Last evaluated: 2024-10-24. Review status: criteria provided, single submitter. Criteria: ACMG Guidelines, 2015. Collection method: clinical testing. Allele origin: germline.

CeGaT Center for Human Genetics Tuebingen
Classification: Likely benign. Last evaluated: 2023-06-01. Review status: criteria provided, single submitter. Criteria: CeGaT Center For Human Genetics Tuebingen Variant Classification Criteria Version 2. Collection method: clinical testing. Allele origin: germline. Affected: yes. Observed: 2 variant alleles.
Comment: FRY: BP4, BP7

NM_023037.3(FRY):c.4056G>A (p.Gly1352=)

Gene: FRY (FRY microtubule binding protein; plus strand). Cytogenetic location: 13q13.1.
Variant type: single nucleotide variant.
Coding change: c.4056G>A on transcript NM_023037.3 (MANE Select); coding-DNA position 4056, G replaced by A.
Protein change: p.Gly1352=; no amino-acid change (glycine 1352 retained).
Molecular consequence: synonymous variant.
Genome position (GRCh38, 1-based): chr13:32,208,890, G>A. VCF-style: chr13-32208890-G-A. GRCh37 (hg19) VCF-style: chr13-32783027-G-A.
Other names: c.4056G>A, p.Gly1352= (NM_001411012.1).
Identifiers: ClinVar variation 2643724 (VCV002643724.25), dbSNP rs200785375, ClinGen allele CA6938816.